The following is an entry in ClinVar:

ClinVar aggregate classification (germline): Pathogenic (1 of 4 stars; one submission).

Conditions:
Jeune thoracic dystrophy. Also called: Jeune syndrome; Infantile thoracic dystrophy; Thoracic pelvic phalangeal dystrophy; Jeune's syndrome; Chondroectodermal dysplasia-like syndrome; Short-rib thoracic dysplasia. Identifiers: Orphanet 474, MedGen C0265275, MONDO:0018770.

Submission:

Labcorp Genetics (formerly Invitae), Labcorp
Classification: Pathogenic for Jeune thoracic dystrophy. Last evaluated: 2022-07-06. Review status: criteria provided, single submitter. Criteria: Invitae Variant Classification Sherloc (09022015). Collection method: clinical testing. Allele origin: germline.
Comment: This sequence change creates a premature translational stop signal (p.Pro3979Hisfs*38) in the DYNC2H1 gene. It is expected to result in an absent or disrupted protein product. Loss-of-function variants in DYNC2H1 are known to be pathogenic (PMID: 23339108, 32753734). ClinVar contains an entry for this variant (Variation ID: 1071685). For these reasons, this variant has been classified as Pathogenic. This variant is not present in population databases (gnomAD no frequency). This variant has not been reported in the literature in individuals affected with DYNC2H1-related conditions.

Literature cited by the submitters: PubMed 23339108; PubMed 32753734.

NM_001377.3(DYNC2H1):c.11915del (p.Pro3972fs)

Gene: DYNC2H1 (dynein cytoplasmic 2 heavy chain 1; plus strand). Cytogenetic location: 11q22.3.
Variant type: Deletion.
Coding change: c.11915del on transcript NM_001377.3 (MANE Select); coding-DNA position 11915, one base deleted (C; older notation c.11915delC).
Protein change: p.Pro3972fs; shifts the reading frame from proline 3972.
Molecular consequence: frameshift variant.
Genome position (GRCh38, 1-based): chr11:103,321,218, C deleted; the last of 2 consecutive C bases (chr11:103,321,217-103,321,218); deleting either gives the same sequence. VCF-style (leftmost placement, unchanged base first): chr11-103321216-AC-A. GRCh37 (hg19) VCF-style: chr11-103191945-AC-A.
Other names: c.11936del, p.Pro3979fs (NM_001080463.2); short protein forms P3972fs, P3979fs.
Identifiers: ClinVar variation 1071685 (VCV001071685.7), dbSNP rs2135437962, ClinGen allele CA2499220533.